The following is an entry in ClinVar:

NM_181882.3(PRX):c.730G>T (p.Ala244Ser)

Gene: PRX (periaxin; minus strand). Cytogenetic location: 19q13.2.
Variant type: single nucleotide variant.
Coding change: c.730G>T on transcript NM_181882.3 (MANE Select); coding-DNA position 730, G replaced by T.
Protein change: p.Ala244Ser; replaces alanine 244 with serine.
Molecular consequence: missense variant. On other transcripts: 3 prime UTR variant (1).
Genome position (GRCh38, 1-based): chr19:40,397,622, C>A on the plus strand (G>T on the coding strand, the complement: PRX is on the minus strand). VCF-style: chr19-40397622-C-A. GRCh37 (hg19) VCF-style: chr19-40903529-C-A.
Other names: c.*935G>T (NM_020956.2); short protein forms A244S.
Identifiers: ClinVar variation 1375277 (VCV001375277.8), dbSNP rs771211272, ClinGen allele CA9444388.
Genomic context (GRCh38, chr19:40,397,622, plus strand): 5'-CAGCTGCCTCTGCTGAGGGGGCAGCCTTGGGGGCTGAGACCTGGGGGACACCCACCTCCG[C>A]CCCTGGCAGCCGCGGCCCAACCAGCTCCACCTGAGGGGCTGTGAAACGAGCTCCTGCAGC-3'
Protein context (NP_870998.2, residues 234-254): VELVGPRLPG[Ala244Ser]EVGVPQVSAP

ClinVar aggregate classification (germline): Uncertain significance (1 of 4 stars; one submission).

Conditions:
Charcot-Marie-Tooth disease type 4. Also called: Charcot-Marie-Tooth disease, type IV; Charcot-Marie-Tooth, Type 4. Identifiers: Orphanet 64749, MedGen C4082197, MONDO:0018995.

gnomAD v4.1: 11 of 1,541,444 alleles (0.00071%); highest among the groups gnomAD compares: South Asian, 0.011%; no homozygotes.

Submission:

Labcorp Genetics (formerly Invitae), Labcorp
Classification: Uncertain significance for Charcot-Marie-Tooth disease type 4. Last evaluated: 2021-03-22. Review status: criteria provided, single submitter. Criteria: Invitae Variant Classification Sherloc (09022015). Collection method: clinical testing. Allele origin: germline.
Comment: In summary, the available evidence is currently insufficient to determine the role of this variant in disease. Therefore, it has been classified as a Variant of Uncertain Significance. Algorithms developed to predict the effect of missense changes on protein structure and function are either unavailable or do not agree on the potential impact of this missense change (SIFT: "Tolerated"; PolyPhen-2: "Possibly Damaging"; Align-GVGD: "Class C0"). This variant has not been reported in the literature in individuals with PRX-related conditions. The frequency data for this variant in the population databases is considered unreliable, as metrics indicate poor data quality at this position in the ExAC database. This sequence change replaces alanine with serine at codon 244 of the PRX protein (p.Ala244Ser). The alanine residue is moderately conserved and there is a moderate physicochemical difference between alanine and serine.